The following is an entry in ClinVar:

ClinVar aggregate classification (germline): Likely benign. Review status: criteria provided, single submitter (1 of 4 stars). 2 submissions from 2 submitters: Likely benign (1). 1 of the submissions does not count toward it.

Conditions:
CADPS-related disorder. Also called: CADPS-related condition.

Allele frequency attached by ClinVar (database versions not stated): gnomAD exomes 0.00005; ExAC 0.00006; ESP Exome Variant Server 0.00008; gnomAD 0.00013; TOPMed 0.00015.
gnomAD v4.1: 96 of 1,613,180 alleles (0.006%); highest among the groups gnomAD compares: Middle Eastern, 0.067%; no homozygotes.

Submissions (2):

Breakthrough Genomics
Classification: Likely benign. Review status: criteria provided, single submitter. Criteria: ACMG Guidelines, 2015. Collection method: not provided. Allele origin: germline. Inheritance: Unknown mechanism. Affected: yes.

PreventionGenetics, part of Exact Sciences
Classification: Likely benign for CADPS-related condition. Last evaluated: 2020-01-20. Review status: no assertion criteria provided. Collection method: clinical testing. Allele origin: germline. Not counted in ClinVar's aggregate classification.
Comment: This variant is classified as likely benign based on ACMG/AMP sequence variant interpretation guidelines (Richards et al. 2015 PMID: 25741868, with internal and published modifications).

NM_003716.4(CADPS):c.858C>T (p.Phe286=)

Gene: CADPS (calcium dependent secretion activator; minus strand). Cytogenetic location: 3p14.2.
Variant type: single nucleotide variant.
Coding change: c.858C>T on transcript NM_003716.4 (MANE Select); coding-DNA position 858, C replaced by T.
Protein change: p.Phe286=; no amino-acid change (phenylalanine 286 retained).
Molecular consequence: synonymous variant.
Genome position (GRCh38, 1-based): chr3:62,753,471, G>A on the plus strand (C>T on the coding strand, the complement: CADPS is on the minus strand). VCF-style: chr3-62753471-G-A. GRCh37 (hg19) VCF-style: chr3-62739146-G-A.
Other names: c.858C>T, p.Phe286= (NM_183393.3, NM_183394.3).
Identifiers: ClinVar variation 3051233 (VCV003051233.3), dbSNP rs374963507, ClinGen allele CA2477194.
Genomic context (GRCh38, chr3:62,753,471, plus strand): 5'-AGCTCTAGGCCCAGGCGAGAAACACCTTACCTGGCAGGCATTGTAAAGGAGCTGATGTTC[G>A]AACTTCTTGATCCCAAGAATGTTCTGGAACATCTCATAGAGTTGCTCCTTGCTCAGAATC-3'
Protein context (NP_003707.2, residues 276-296): MFQNILGIKK[Phe286=]EHQLLYNACQ